The following is an entry in ClinVar:

NM_001329943.3(KIAA0586):c.2279C>A (p.Thr760Asn)

Gene: KIAA0586 (KIAA0586; plus strand). Cytogenetic location: 14q23.1.
Variant type: single nucleotide variant.
Coding change: c.2279C>A on transcript NM_001329943.3 (MANE Select); coding-DNA position 2279, C replaced by A.
Protein change: p.Thr760Asn; replaces threonine 760 with asparagine.
Molecular consequence: missense variant.
Genome position (GRCh38, 1-based): chr14:58,467,759, C>A. VCF-style: chr14-58467759-C-A. GRCh37 (hg19) VCF-style: chr14-58934477-C-A.
Other names: c.2438C>A, p.Thr813Asn (NM_001244189.2); c.2234C>A, p.Thr745Asn (NM_001244190.2); c.2024C>A, p.Thr675Asn (NM_001244191.2, NM_001329945.2, NM_001364700.1 and 1 more transcripts); c.2147C>A, p.Thr716Asn (NM_001244192.2); c.1859C>A, p.Thr620Asn (NM_001244193.2); c.2279C>A, p.Thr760Asn (NM_001329944.2, NM_001329946.2, NM_001329947.2); c.2051C>A, p.Thr684Asn (NM_014749.5); short protein forms T675N, T716N, T745N, T760N, T813N, T620N, T684N.
Identifiers: ClinVar variation 1523609 (VCV001523609.6), dbSNP rs745459956, ClinGen allele CA7205834.

ClinVar aggregate classification (germline): Uncertain significance (1 of 4 stars; one submission).

Conditions:
Joubert syndrome 23 (JBTS23). Identifiers: Orphanet 475, MedGen C4084822, MONDO:0014664, OMIM 616490.
Short-rib thoracic dysplasia 14 with polydactyly (SRTD14). Identifiers: Orphanet 397715, MedGen C4225286, MONDO:0014688, OMIM 616546.

Allele frequency attached by ClinVar (database versions not stated): gnomAD exomes 0.00001 and 0.00002; ExAC 0.00003.
gnomAD v4.1: 9 of 1,611,466 alleles (0.00056%); highest among the groups gnomAD compares: South Asian, 0.0099%; no homozygotes.

Submission:

Labcorp Genetics (formerly Invitae), Labcorp
Classification: Uncertain significance for Joubert syndrome 23; Short-rib thoracic dysplasia 14 with polydactyly. Last evaluated: 2022-07-12. Review status: criteria provided, single submitter. Criteria: Invitae Variant Classification Sherloc (09022015). Collection method: clinical testing. Allele origin: germline.
Comment: Algorithms developed to predict the effect of missense changes on protein structure and function are either unavailable or do not agree on the potential impact of this missense change (SIFT: "Deleterious"; PolyPhen-2: "Benign"; Align-GVGD: "Class C0"). In summary, the available evidence is currently insufficient to determine the role of this variant in disease. Therefore, it has been classified as a Variant of Uncertain Significance. ClinVar contains an entry for this variant (Variation ID: 1523609). This variant has not been reported in the literature in individuals affected with KIAA0586-related conditions. This variant is present in population databases (rs745459956, gnomAD 0.02%). This sequence change replaces threonine, which is neutral and polar, with asparagine, which is neutral and polar, at codon 813 of the KIAA0586 protein (p.Thr813Asn).